The following is an entry in ClinVar:

ClinVar aggregate classification (germline): Benign. Review status: criteria provided, multiple submitters, no conflicts (2 of 4 stars). 6 submissions from 6 submitters: Benign (4). 2 of the submissions do not count toward it. Last evaluated 2026-02-04.

Conditions:
Usher syndrome type 2C. Also called: Usher syndrome, type 2B; USHER SYNDROME, TYPE IIC. Identifiers: Orphanet 231178, Orphanet 886, MedGen C2931213, MONDO:0011558, OMIM 605472.

Allele frequency attached by ClinVar (database versions not stated): gnomAD exomes 0.16300 and 0.18788; ESP Exome Variant Server 0.17017; gnomAD 0.17743 and 0.18156; TOPMed 0.17913; ExAC 0.19143; 1000 Genomes Project 30x 0.23595; 1000 Genomes Project 0.24042.
gnomAD v4.1: 265,384 of 1,604,350 alleles (17%); highest among the groups gnomAD compares: East Asian, 39%; 24,003 homozygotes.

Submissions (6):

Labcorp Genetics (formerly Invitae), Labcorp
Classification: Benign. Last evaluated: 2026-02-04. Review status: criteria provided, single submitter. Criteria: Invitae Variant Classification Sherloc (09022015). Collection method: clinical testing. Allele origin: germline.

Genome-Nilou Lab
Classification: Benign for Usher syndrome type 2C. Last evaluated: 2021-08-10. Review status: criteria provided, single submitter. Criteria: ACMG Guidelines, 2015. Collection method: clinical testing. Allele origin: germline. Affected: no.

GeneDx
Classification: Benign. Last evaluated: 2013-01-08. Review status: criteria provided, single submitter. Criteria: GeneDx Variant Classification (06012015). Collection method: clinical testing. Allele origin: germline. Affected: yes.
Comment: This variant is considered likely benign or benign based on one or more of the following criteria: it is a conservative change, it occurs at a poorly conserved position in the protein, it is predicted to be benign by multiple in silico algorithms, and/or has population frequency not consistent with disease.

PreventionGenetics, part of Exact Sciences
Classification: Benign. Review status: criteria provided, single submitter. Criteria: ACMG Guidelines, 2015. Collection method: clinical testing. Allele origin: germline.

Diagnostic Laboratory, Department of Genetics, University Medical Center Groningen
Classification: Benign. Review status: no assertion criteria provided. Collection method: clinical testing. Allele origin: germline. Affected: yes. Study: VKGL Data-share Consensus. Not counted in ClinVar's aggregate classification.

Joint Genome Diagnostic Labs from Nijmegen and Maastricht, Radboudumc and MUMC+
Classification: Benign. Review status: no assertion criteria provided. Collection method: clinical testing. Allele origin: germline. Affected: yes. Study: VKGL Data-share Consensus. Not counted in ClinVar's aggregate classification.

NM_032119.4(ADGRV1):c.2241-19G>T

Gene: ADGRV1 (adhesion G protein-coupled receptor V1; plus strand). Cytogenetic location: 5q14.3.
Variant type: single nucleotide variant.
Coding change: c.2241-19G>T on transcript NM_032119.4 (MANE Select); 19 bases into the intron before coding-DNA position 2241, G replaced by T.
Molecular consequence: intron variant.
Genome position (GRCh38, 1-based): chr5:90,642,617, G>T. VCF-style: chr5-90642617-G-T. GRCh37 (hg19) VCF-style: chr5-89938434-G-T.
Identifiers: ClinVar variation 137502 (VCV000137502.19), dbSNP rs1344030, ClinGen allele CA291111.
Genomic context (GRCh38, chr5:90,642,617, plus strand): 5'-AATATTGCCTTAAAAGCCTGCAAAATTCAGAAGTAAAACTGGAAGTAGCGGGTGCCATTT[G>T]TCTCTCTGACTTCTCTAGGGTTAACGTGGAAAACCAAGTGCTGAAATCTGGATATACTAG-3'